The following is an entry in ClinVar:

ClinVar aggregate classification (germline): Uncertain significance. Review status: criteria provided, multiple submitters, no conflicts (2 of 4 stars). 2 submissions from 2 submitters: Uncertain significance (2). Last evaluated 2025-05-05.

Conditions:
Neurodevelopmental disorder with dysmorphic facies and distal skeletal anomalies. Identifiers: MedGen C5231448, MONDO:0032855, OMIM 618659.

Allele frequency attached by ClinVar (database versions not stated): gnomAD exomes below 0.00001.
gnomAD v4.1: 4 of 1,614,172 alleles (0.00025%); highest among the groups gnomAD compares: Non-Finnish European, 0.00034%; no homozygotes.

Submissions (2):

Women's Health and Genetics/Laboratory Corporation of America, LabCorp
Classification: Uncertain significance. Last evaluated: 2025-05-05. Review status: criteria provided, single submitter. Criteria: LabCorp Variant Classification Summary - May 2015. Collection method: clinical testing. Allele origin: germline.
Comment: Variant summary: ZMIZ1 c.2177A>G (p.Asn726Ser) results in a conservative amino acid change in the encoded protein sequence. Algorithms developed to predict the effect of missense changes on protein structure and function are either unavailable or do not agree on the potential impact of this missense change. The variant allele was found at a frequency of 4e-06 in 251264 control chromosomes. The available data on variant occurrences in the general population are insufficient to allow any conclusion about variant significance. To our knowledge, no occurrence of c.2177A>G in individuals affected with Neurodevelopmental Disorder With Dysmorphic Facies And Distal Skeletal Anomalies and no experimental evidence demonstrating its impact on protein function have been reported. ClinVar contains an entry for this variant (Variation ID: 992770). Based on the evidence outlined above, the variant was classified as uncertain significance.

New York Genome Center
Classification: Uncertain significance for Neurodevelopmental disorder with dysmorphic facies and distal skeletal anomalies. Last evaluated: 2021-12-03. Review status: criteria provided, single submitter. Criteria: NYGC Assertion Criteria 2020. Collection method: clinical testing. Allele origin: inherited. Observed: 1 heterozygote. Study: CSER-NYCKidSeq.

NM_020338.4(ZMIZ1):c.2177A>G (p.Asn726Ser)

Gene: ZMIZ1 (zinc finger MIZ-type containing 1; plus strand). Cytogenetic location: 10q22.3.
Variant type: single nucleotide variant.
Coding change: c.2177A>G on transcript NM_020338.4 (MANE Select); coding-DNA position 2177, A replaced by G.
Protein change: p.Asn726Ser; replaces asparagine 726 with serine.
Molecular consequence: missense variant.
Genome position (GRCh38, 1-based): chr10:79,304,066, A>G. VCF-style: chr10-79304066-A-G. GRCh37 (hg19) VCF-style: chr10-81063823-A-G.
Other names: short protein forms N726S.
Identifiers: ClinVar variation 992770 (VCV000992770.3), dbSNP rs752281415, ClinGen allele CA5572936.